The following is an entry in ClinVar:

NM_020831.6(MRTFA):c.1592TGG[2] (p.Val533del)

Gene: MRTFA (myocardin related transcription factor A; minus strand). Cytogenetic location: 22q13.1.
Variant type: Microsatellite.
Coding change: c.1592TGG[2] on transcript NM_020831.6 (MANE Select); two copies in a row of the 3-base unit TGG starting at c.1592; the reference has three copies in a row; one copy, 3 bases deleted.
Protein change: p.Val533del; deletes valine 533.
Molecular consequence: inframe deletion.
Genome position (GRCh38, 1-based): chr22:40,419,138-40,419,140, CCA deleted on the plus strand (TGG on the coding strand, the reverse complement: MRTFA is on the minus strand); deleting any 3 consecutive bases within chr22:40,419,138-40,419,148 gives the same sequence; the position shown is the placement nearest the transcript's 3' end. VCF-style (leftmost placement, unchanged base first): chr22-40419137-GCCA-G. GRCh37 (hg19) VCF-style: chr22-40815141-GCCA-G.
Other names: c.1292TGG[2], p.Val433del (NM_001282660.2); c.1442TGG[2], p.Val483del (NM_001282661.3); c.1592TGG[2], p.Val533del (NM_001282662.3); c.1397TGG[2], p.Val468del (NM_001318139.2); short protein forms V433del, V468del, V483del, V533del.
Identifiers: ClinVar variation 1683068 (VCV001683068.8), dbSNP rs769718183, ClinGen allele CA10249631.

ClinVar aggregate classification (germline): Uncertain significance (1 of 4 stars; one submission).

Submission:

Labcorp Genetics (formerly Invitae), Labcorp
Classification: Uncertain significance. Last evaluated: 2025-12-24. Review status: criteria provided, single submitter. Criteria: Invitae Variant Classification Sherloc (09022015). Collection method: clinical testing. Allele origin: germline.
Comment: This variant, c.1298_1300del, results in the deletion of 1 amino acid(s) of the MKL1 protein (p.Val433del), but otherwise preserves the integrity of the reading frame. This variant is present in population databases (rs769718183, gnomAD 0.08%), and has an allele count higher than expected for a pathogenic variant. This variant has not been reported in the literature in individuals affected with MKL1-related conditions. Experimental studies and prediction algorithms are not available or were not evaluated, and the functional significance of this variant is currently unknown. In summary, the available evidence is currently insufficient to determine the role of this variant in disease. Therefore, it has been classified as a Variant of Uncertain Significance.